The following is an entry in ClinVar:

NM_015202.5(KATNIP):c.689G>A (p.Arg230His)

Gene: KATNIP (katanin interacting protein; plus strand). Cytogenetic location: 16p12.1.
Variant type: single nucleotide variant.
Coding change: c.689G>A on transcript NM_015202.5 (MANE Select); coding-DNA position 689, G replaced by A.
Protein change: p.Arg230His; replaces arginine 230 with histidine.
Molecular consequence: missense variant.
Genome position (GRCh38, 1-based): chr16:27,677,877, G>A. VCF-style: chr16-27677877-G-A. GRCh37 (hg19) VCF-style: chr16-27689198-G-A.
Other names: short protein forms R230H.
Identifiers: ClinVar variation 714694 (VCV000714694.33), dbSNP rs138712469, ClinGen allele CA7977427.

ClinVar aggregate classification (germline): Benign/Likely benign. Review status: criteria provided, multiple submitters, no conflicts (2 of 4 stars). 3 submissions from 3 submitters: Benign (2); Likely benign (1). Last evaluated 2026-06-01.

Allele frequency attached by ClinVar (database versions not stated): gnomAD exomes 0.00092; ExAC 0.00111; 1000 Genomes Project 0.00200; 1000 Genomes Project 30x 0.00234; gnomAD 0.00336 and 0.00365; TOPMed 0.00419; ESP Exome Variant Server 0.00446.
gnomAD v4.1: 1,002 of 1,614,142 alleles (0.062%); highest among the groups gnomAD compares: African/African-American, 1.1%; 11 homozygotes.

Submissions (3):

CeGaT Center for Human Genetics Tuebingen
Classification: Likely benign. Last evaluated: 2026-06-01. Review status: criteria provided, single submitter. Criteria: CeGaT Center For Human Genetics Tuebingen Variant Classification Criteria Version 2. Collection method: clinical testing. Allele origin: germline. Affected: yes. Observed: 4 variant alleles.
Comment: KATNIP: BP4, BS1

Labcorp Genetics (formerly Invitae), Labcorp
Classification: Benign. Last evaluated: 2026-01-24. Review status: criteria provided, single submitter. Criteria: Invitae Variant Classification Sherloc (09022015). Collection method: clinical testing. Allele origin: germline.

Breakthrough Genomics
Classification: Benign. Review status: criteria provided, single submitter. Criteria: ACMG Guidelines, 2015. Collection method: not provided. Allele origin: germline. Inheritance: Autosomal recessive inheritance. Affected: yes.